The following is an entry in ClinVar:

ClinVar aggregate classification (germline): Uncertain significance (1 of 4 stars; one submission).

Conditions:
Hereditary cancer-predisposing syndrome. Also called: Neoplastic Syndromes, Hereditary; Hereditary Cancer Syndrome; Tumor predisposition; Hereditary neoplastic syndrome. Identifiers: Orphanet 140162, MedGen C0027672, MeSH D009386, MONDO:0015356.

Submission:

Ambry Genetics
Classification: Uncertain significance for Hereditary cancer-predisposing syndrome. Last evaluated: 2016-06-06. Review status: criteria provided, single submitter. Criteria: Ambry Variant Classification Scheme 2023. Collection method: clinical testing. Allele origin: germline.
Comment: The p.R2227S variant (also known as c.6679C>A), located in coding exon 45 of the ATM gene, results from a C to A substitution at nucleotide position 6679. The arginine at codon 2227 is replaced by serine, an amino acid with dissimilar properties. This variant was not reported in population based cohorts in the following databases: Database of Single Nucleotide Polymorphisms (dbSNP), NHLBI Exome Sequencing Project (ESP), and 1000 Genomes Project. In the ESP, this variant was not observed in 6499 samples (12998 alleles) with coverage at this position. To date, this alteration has been detected with an allele frequency of approximately 0.001% (greater than 180000 alleles tested) in our clinical cohort. This amino acid position is highly conserved in available vertebrate species. In addition, this alteration is predicted to be deleterious by in silico analysis. Since supporting evidence is limited at this time, the clinical significance of this alteration remains unclear.

NM_000051.4(ATM):c.6679C>A (p.Arg2227Ser)

Genes: ATM (ATM serine/threonine kinase; plus strand), C11orf65 (chromosome 11 open reading frame 65; minus strand). Cytogenetic location: 11q22.3.
Variant type: single nucleotide variant.
Coding change: c.6679C>A on transcript NM_000051.4 (MANE Select); coding-DNA position 6679, C replaced by A.
Protein change: p.Arg2227Ser; replaces arginine 2227 with serine.
Molecular consequence: missense variant. On other transcripts: intron variant (2).
Genome position (GRCh38, 1-based): chr11:108,325,416, C>A. VCF-style: chr11-108325416-C-A. GRCh37 (hg19) VCF-style: chr11-108196143-C-A.
Other names: c.6679C>A, p.Arg2227Ser (NM_001351834.2); c.641-16345G>T (NM_001330368.2); c.*38+9804G>T (NM_001351110.2); short protein forms R2227S.
Identifiers: ClinVar variation 481252 (VCV000481252.7), dbSNP rs564652222, ClinGen allele CA382554880.